The following is an entry in ClinVar:

NM_002529.4(NTRK1):c.1628T>A (p.Val543Asp)

Gene: NTRK1 (neurotrophic receptor tyrosine kinase 1; plus strand). Cytogenetic location: 1q23.1.
Variant type: single nucleotide variant.
Coding change: c.1628T>A on transcript NM_002529.4 (MANE Select); coding-DNA position 1628, T replaced by A.
Protein change: p.Val543Asp; replaces valine 543 with aspartic acid.
Molecular consequence: missense variant.
Genome position (GRCh38, 1-based): chr1:156,876,206, T>A. VCF-style: chr1-156876206-T-A. GRCh37 (hg19) VCF-style: chr1-156845998-T-A.
Other names: c.1628T>A, p.Val543Asp (NM_001007204.1); c.1520T>A, p.Val507Asp (NM_001007792.1); c.1610T>A, p.Val537Asp (NM_001012331.2); short protein forms V507D, V543D, V537D.
Identifiers: ClinVar variation 2960795 (VCV002960795.3), dbSNP rs2102917875, ClinGen allele CA342938271.
Genomic context (GRCh38, chr1:156,876,206, plus strand): 5'-AGGTCTTCCTTGCTGAGTGCCACAACCTCCTGCCTGAGCAGGACAAGATGCTGGTGGCTG[T>A]CAAGGTGAGACCCTGCCCCGGGGGGTACTGCTGGCCTGGGTCCCACCCCCAGGAGCTCCA-3'
Protein context (NP_002520.2, residues 533-553): LPEQDKMLVA[Val543Asp]KALKEASESA

ClinVar aggregate classification (germline): Uncertain significance (1 of 4 stars; one submission).

Conditions:
Hereditary insensitivity to pain with anhidrosis (CIPA). Also called: FAMILIAL DYSAUTONOMIA, TYPE II; NEUROPATHY, CONGENITAL SENSORY, WITH ANHIDROSIS; hereditary sensory and autonomic neuropathy type 4; INSENSITIVITY TO PAIN, CONGENITAL, WITH ANHIDROSIS; NTRK1 Congenital Insensitivity to Pain with Anhidrosis; HSAN Type IV. Identifiers: Orphanet 642, MedGen C0020074, MONDO:0009746, OMIM 256800.

Submission:

Labcorp Genetics (formerly Invitae), Labcorp
Classification: Uncertain significance for Hereditary insensitivity to pain with anhidrosis. Last evaluated: 2023-11-05. Review status: criteria provided, single submitter. Criteria: Invitae Variant Classification Sherloc (09022015). Collection method: clinical testing. Allele origin: germline.
Comment: This sequence change replaces valine, which is neutral and non-polar, with aspartic acid, which is acidic and polar, at codon 537 of the NTRK1 protein (p.Val537Asp). This variant is not present in population databases (gnomAD no frequency). This variant has not been reported in the literature in individuals affected with NTRK1-related conditions. Advanced modeling of protein sequence and biophysical properties (such as structural, functional, and spatial information, amino acid conservation, physicochemical variation, residue mobility, and thermodynamic stability) performed at Invitae indicates that this missense variant is expected to disrupt NTRK1 protein function with a positive predictive value of 80%. In summary, the available evidence is currently insufficient to determine the role of this variant in disease. Therefore, it has been classified as a Variant of Uncertain Significance.